The following is an entry in ClinVar:

NM_173689.7(CRB2):c.2477G>A (p.Trp826Ter)

Gene: CRB2 (crumbs cell polarity complex component 2; plus strand). Cytogenetic location: 9q33.3.
Variant type: single nucleotide variant.
Coding change: c.2477G>A on transcript NM_173689.7 (MANE Select); coding-DNA position 2477, G replaced by A.
Protein change: p.Trp826Ter; replaces tryptophan 826 with a stop codon.
Molecular consequence: nonsense. On other transcripts: non-coding transcript variant (1).
Genome position (GRCh38, 1-based): chr9:123,372,217, G>A. VCF-style: chr9-123372217-G-A. GRCh37 (hg19) VCF-style: chr9-126134496-G-A.
Other names: short protein forms W826*.
Identifiers: ClinVar variation 5007386 (VCV005007386.2).

ClinVar aggregate classification (germline): Likely pathogenic (1 of 4 stars; one submission).

Conditions:
Focal segmental glomerulosclerosis 9 (FSGS9). Identifiers: Orphanet 656, MedGen C4015555, MONDO:0014539, OMIM 616220.
Ventriculomegaly-cystic kidney disease. Also called: Ventriculomegaly with cystic kidney disease. Identifiers: Orphanet 443988, MedGen C1857423, MONDO:0009063, OMIM 219730.

Submission:

Juno Genomics, Hangzhou Juno Genomics, Inc
Classification: Likely pathogenic for Ventriculomegaly-cystic kidney disease; Focal segmental glomerulosclerosis 9. Review status: criteria provided, single submitter. Criteria: ACMG Guidelines, 2015. Collection method: clinical testing. Allele origin: germline.
Comment: Null variant in a gene where loss of function (LOF) is a known mechanism of disease.;Absent from controls (or at extremely low frequency if recessive) in Genome Aggregation Database.